The following is an entry in ClinVar:

ClinVar aggregate classification (germline): Uncertain significance. Review status: criteria provided, single submitter (1 of 4 stars). 2 submissions from 2 submitters: Uncertain significance (1). 1 of the submissions does not count toward it. Last evaluated 2022-07-20.

Conditions:
Inborn genetic diseases. Identifiers: MedGen C0950123, MeSH D030342.
PAX3-related disorder. Also called: PAX3-related condition.

Allele frequency attached by ClinVar (database versions not stated): TOPMed 0.00001.
gnomAD v4.1: 5 of 1,614,120 alleles (0.00031%); highest among the groups gnomAD compares: Non-Finnish European, 0.00042%; no homozygotes.

Submissions (2):

Ambry Genetics
Classification: Uncertain significance for Inborn genetic diseases. Last evaluated: 2022-07-20. Review status: criteria provided, single submitter. Criteria: Ambry Variant Classification Scheme 2023. Collection method: clinical testing. Allele origin: germline.

PreventionGenetics, part of Exact Sciences
Classification: Uncertain significance for PAX3-related condition. Last evaluated: 2024-02-14. Review status: no assertion criteria provided. Collection method: clinical testing. Allele origin: germline. Not counted in ClinVar's aggregate classification.
Comment: The PAX3 c.1367C>T variant is predicted to result in the amino acid substitution p.Thr456Ile. To our knowledge, this variant has not been reported in the literature or in a large population database, indicating this variant is rare. At this time, the clinical significance of this variant is uncertain due to the absence of conclusive functional and genetic evidence.

NM_181458.4(PAX3):c.1367C>T (p.Thr456Ile)

Gene: PAX3 (paired box 3; minus strand). Cytogenetic location: 2q36.1.
Variant type: single nucleotide variant.
Coding change: c.1367C>T on transcript NM_181458.4 (MANE Select); coding-DNA position 1367, C replaced by T.
Protein change: p.Thr456Ile; replaces threonine 456 with isoleucine.
Molecular consequence: missense variant. On other transcripts: intron variant (2).
Genome position (GRCh38, 1-based): chr2:222,201,997, G>A on the plus strand (C>T on the coding strand, the complement: PAX3 is on the minus strand). VCF-style: chr2-222201997-G-A. GRCh37 (hg19) VCF-style: chr2-223066716-G-A.
Other names: c.1364C>T, p.Thr455Ile (NM_001127366.3); c.1367C>T, p.Thr456Ile (NM_181457.4, NM_181459.4); c.1174-555C>T (NM_181460.4, NM_181461.4); short protein forms T455I, T456I.
Identifiers: ClinVar variation 2373916 (VCV002373916.4), dbSNP rs889542927, ClinGen allele CA66330116.